The following is an entry in ClinVar:

NM_000536.4(RAG2):c.41T>G (p.Leu14Ter)

Gene: RAG2 (recombination activating 2; minus strand). Cytogenetic location: 11p12.
Variant type: single nucleotide variant.
Coding change: c.41T>G on transcript NM_000536.4 (MANE Select); coding-DNA position 41, T replaced by G.
Protein change: p.Leu14Ter; replaces leucine 14 with a stop codon.
Molecular consequence: nonsense.
Genome position (GRCh38, 1-based): chr11:36,594,128, A>C on the plus strand (T>G on the coding strand, the complement: RAG2 is on the minus strand). VCF-style: chr11-36594128-A-C. GRCh37 (hg19) VCF-style: chr11-36615678-A-C.
Other names: c.41T>G, p.Leu14Ter (NM_001243785.2, NM_001243786.2); short protein forms L14*.
Identifiers: ClinVar variation 4814339 (VCV004814339.1).

ClinVar aggregate classification (germline): Likely pathogenic (1 of 4 stars; one submission).

Conditions:
Histiocytic medullary reticulosis. Also called: SEVERE COMBINED IMMUNODEFICIENCY WITH HYPEREOSINOPHILIA; Omenn syndrome. Identifiers: Orphanet 39041, MedGen C2700553, MONDO:0011338, OMIM 603554.

Submission:

Natera, Inc.
Classification: Likely pathogenic for Omenn syndrome. Last evaluated: 2024-09-05. Review status: criteria provided, single submitter. Criteria: Natera Variant Classification Schema (03/2026). Collection method: clinical testing. Allele origin: germline.
Comment: The c.41T>G variant in RAG2 is a nonsense variant predicted to introduce a stop codon at amino acid 14. This variant is expected to result in nonsense mediated decay, truncation, or a dysfunctional protein product. This variant is rare in the general population with a frequency below the threshold expected for the associated phenotype(s). Given the available evidence, this variant is classified as Likely Pathogenic.